The following is an entry in ClinVar:

ClinVar aggregate classification (germline): Uncertain significance. Review status: criteria provided, multiple submitters, no conflicts (2 of 4 stars). 3 submissions from 3 submitters: Uncertain significance (3). Last evaluated 2025-06-04.

Conditions:
Dilated cardiomyopathy 1DD (CMD1DD). Identifiers: Orphanet 154, MedGen C2750995, MONDO:0013168, OMIM 613172.

Submissions (3):

Labcorp Genetics (formerly Invitae), Labcorp
Classification: Uncertain significance for Dilated cardiomyopathy 1DD. Last evaluated: 2025-06-04. Review status: criteria provided, single submitter. Criteria: Invitae Variant Classification Sherloc (09022015). Collection method: clinical testing. Allele origin: germline.
Comment: This sequence change replaces glutamic acid, which is acidic and polar, with aspartic acid, which is acidic and polar, at codon 1054 of the RBM20 protein (p.Glu1054Asp). This variant is not present in population databases (gnomAD no frequency). This variant has not been reported in the literature in individuals affected with RBM20-related conditions. ClinVar contains an entry for this variant (Variation ID: 298800). Invitae Evidence Modeling of protein sequence and biophysical properties (such as structural, functional, and spatial information, amino acid conservation, physicochemical variation, residue mobility, and thermodynamic stability) indicates that this missense variant is not expected to disrupt RBM20 protein function with a negative predictive value of 95%. In summary, the available evidence is currently insufficient to determine the role of this variant in disease. Therefore, it has been classified as a Variant of Uncertain Significance.

Fulgent Genetics
Classification: Uncertain significance for Dilated cardiomyopathy 1DD. Last evaluated: 2021-10-14. Review status: criteria provided, single submitter. Criteria: ACMG Guidelines, 2015. Collection method: clinical testing. Allele origin: unknown.

Illumina Laboratory Services, Illumina
Classification: Uncertain significance for Dilated cardiomyopathy 1DD. Last evaluated: 2018-01-13. Review status: criteria provided, single submitter. Criteria: ICSL Variant Classification Criteria 13 December 2019. Collection method: clinical testing. Allele origin: germline.

NM_001134363.3(RBM20):c.3162G>T (p.Glu1054Asp)

Gene: RBM20 (RNA binding motif protein 20; plus strand). Cytogenetic location: 10q25.2.
Variant type: single nucleotide variant.
Coding change: c.3162G>T on transcript NM_001134363.3 (MANE Select); coding-DNA position 3162, G replaced by T.
Protein change: p.Glu1054Asp; replaces glutamic acid 1054 with aspartic acid.
Molecular consequence: missense variant.
Genome position (GRCh38, 1-based): chr10:110,821,781, G>T. VCF-style: chr10-110821781-G-T. GRCh37 (hg19) VCF-style: chr10-112581539-G-T.
Other names: c.3162G>T (LRG_382t1); short protein forms E1054D.
Identifiers: ClinVar variation 298800 (VCV000298800.8), dbSNP rs886046706, ClinGen allele CA10634589.